The following is an entry in ClinVar:

ClinVar aggregate classification (germline): Uncertain significance (1 of 4 stars; one submission).

Conditions:
STING-associated vasculopathy with onset in infancy. Also called: Sting-associated vasculopathy, infantile-onset. Identifiers: Orphanet 425120, MedGen C4014722, MONDO:0014405, OMIM 615934.

Allele frequency attached by ClinVar (database versions not stated): gnomAD exomes 0.00001; TOPMed 0.00001; ExAC 0.00002.
gnomAD v4.1: 4 of 1,614,178 alleles (0.00025%); highest among the groups gnomAD compares: Admixed American, 0.0033%; no homozygotes.

Submission:

Labcorp Genetics (formerly Invitae), Labcorp
Classification: Uncertain significance for STING-associated vasculopathy with onset in infancy. Last evaluated: 2021-04-29. Review status: criteria provided, single submitter. Criteria: Invitae Variant Classification Sherloc (09022015). Collection method: clinical testing. Allele origin: germline.
Comment: This sequence change replaces valine with isoleucine at codon 113 of the TMEM173 protein (p.Val113Ile). The valine residue is weakly conserved and there is a small physicochemical difference between valine and isoleucine. This variant is present in population databases (rs770875890, ExAC 0.009%). This variant has not been reported in the literature in individuals with TMEM173-related conditions. Algorithms developed to predict the effect of missense changes on protein structure and function (SIFT, PolyPhen-2, Align-GVGD) all suggest that this variant is likely to be tolerated, but these predictions have not been confirmed by published functional studies and their clinical significance is uncertain. In summary, the available evidence is currently insufficient to determine the role of this variant in disease. Therefore, it has been classified as a Variant of Uncertain Significance.

NM_198282.4(STING1):c.337G>A (p.Val113Ile)

Genes: STING1 (stimulator of interferon response cGAMP interactor 1; minus strand), LOC123522803 (Sharpr-MPRA regulatory region 11914; plus strand). Cytogenetic location: 5q31.2.
Variant type: single nucleotide variant.
Coding change: c.337G>A on transcript NM_198282.4 (MANE Select); coding-DNA position 337, G replaced by A.
Protein change: p.Val113Ile; replaces valine 113 with isoleucine.
Molecular consequence: missense variant. On other transcripts: 5 prime UTR variant (1).
Genome position (GRCh38, 1-based): chr5:139,481,233, C>T on the plus strand (G>A on the coding strand, the complement: STING1 is on the minus strand). VCF-style: chr5-139481233-C-T. GRCh37 (hg19) VCF-style: chr5-138860818-C-T.
Other names: c.337G>A, p.Val113Ile (NM_001301738.2); c.-21G>A (NM_001367258.1); short protein forms V113I.
Identifiers: ClinVar variation 1680266 (VCV001680266.8), dbSNP rs770875890, ClinGen allele CA3435441.
Genomic context (GRCh38, chr5:139,481,233, plus strand): 5'-GGATGTTCAGTGCCTGCGAGAGGCCCAGGAGGGCAAGCATCCAAGTGAAGGGCGGGCCGA[C>T]CGCATTTGGGAGGGAGTAGTAGAAATAGATGGACAGCAGCAACAGGGCCCCACGGCGGAG-3'
Protein context (NP_938023.1, residues 103-123): IYFYYSLPNA[Val113Ile]GPPFTWMLAL